The following is an entry in ClinVar:

NM_000392.5(ABCC2):c.821_822del (p.Pro274fs)

Gene: ABCC2 (ATP binding cassette subfamily C member 2; plus strand). Cytogenetic location: 10q24.2.
Variant type: Deletion.
Coding change: c.821_822del on transcript NM_000392.5 (MANE Select); coding-DNA positions 821 to 822, 2 bases deleted (CT; older notation c.821_822delCT).
Protein change: p.Pro274fs; shifts the reading frame from proline 274.
Molecular consequence: frameshift variant.
Genome position (GRCh38, 1-based): chr10:99,797,285-99,797,286, CT deleted. VCF-style (leftmost placement, unchanged base first): chr10-99797284-CCT-C. GRCh37 (hg19) VCF-style: chr10-101557041-CCT-C.
Other names: c.821_822del, p.Pro274fs (LRG_1208t1); short protein forms P274fs.
Identifiers: ClinVar variation 595795 (VCV000595795.9), dbSNP rs1158274146, ClinGen allele CA471126140.

ClinVar aggregate classification (germline): Pathogenic. Review status: criteria provided, multiple submitters, no conflicts (2 of 4 stars). 2 submissions from 2 submitters: Pathogenic (2). Last evaluated 2024-02-05.

Allele frequency attached by ClinVar (database versions not stated): gnomAD 0.00001; TOPMed 0.00002; gnomAD exomes 0.00003.

Submissions (2):

Labcorp Genetics (formerly Invitae), Labcorp
Classification: Pathogenic. Last evaluated: 2024-02-05. Review status: criteria provided, single submitter. Criteria: Invitae Variant Classification Sherloc (09022015). Collection method: clinical testing. Allele origin: germline.
Comment: This sequence change creates a premature translational stop signal (p.Pro274Argfs*19) in the ABCC2 gene. It is expected to result in an absent or disrupted protein product. Loss-of-function variants in ABCC2 are known to be pathogenic (PMID: 9185779, 16549534, 16952291). This variant is not present in population databases (gnomAD no frequency). This premature translational stop signal has been observed in individual(s) with Dubin-Johnson syndrome (PMID: 23065530). ClinVar contains an entry for this variant (Variation ID: 595795). For these reasons, this variant has been classified as Pathogenic.

Eurofins Ntd Llc (ga)
Classification: Pathogenic. Last evaluated: 2018-01-22. Review status: criteria provided, single submitter. Criteria: EGL Classification Definitions 2015. Collection method: clinical testing. Allele origin: germline.

Literature cited by the submitters: PubMed 9185779 (cited by Labcorp Genetics (formerly Invitae), Labcorp); PubMed 16549534 (cited by Labcorp Genetics (formerly Invitae), Labcorp); PubMed 16952291 (cited by Labcorp Genetics (formerly Invitae), Labcorp); PubMed 23065530 (cited by Labcorp Genetics (formerly Invitae), Labcorp).